The following is an entry in ClinVar:

ClinVar aggregate classification (germline): Conflicting classifications of pathogenicity. Review status: criteria provided, conflicting classifications (1 of 4 stars). 3 submissions from 3 submitters: Uncertain significance (1); Likely benign (2). Last evaluated 2025-03-01.

Conditions:
Hereditary cancer-predisposing syndrome. Also called: Neoplastic Syndromes, Hereditary; Hereditary Cancer Syndrome; Tumor predisposition; Hereditary neoplastic syndrome. Identifiers: Orphanet 140162, MedGen C0027672, MeSH D009386, MONDO:0015356.
Breast-ovarian cancer, familial, susceptibility to, 2 (BROVCA2). Also called: BRCA2 Hereditary Breast and Ovarian Cancer. Identifiers: Orphanet 145, MedGen C2675520, MONDO:0012933, OMIM 612555. Disease mechanism: loss of function.

Allele frequency attached by ClinVar (database versions not stated): TOPMed below 0.00001.

Submissions (3):

Ambry Genetics
Classification: Likely benign for Hereditary cancer-predisposing syndrome. Last evaluated: 2025-03-01. Review status: criteria provided, single submitter. Criteria: Ambry Variant Classification Scheme 2023. Collection method: clinical testing. Allele origin: germline.

University of Washington Department of Laboratory Medicine, University of Washington
Classification: Likely benign for Hereditary cancer-predisposing syndrome. Last evaluated: 2023-03-23. Review status: criteria provided, single submitter. Criteria: Dines et al. (Genet Med. 2020). Collection method: curation. Allele origin: germline.
Comment: Missense variant in a coldspot region where missense variants are very unlikely to be pathogenic (PMID:31911673).

BRCA2 exon 11 coldspot. Reclassification based on statistical prior probability.

Mendelics
Classification: Uncertain significance for Breast-ovarian cancer, familial, susceptibility to, 2. Last evaluated: 2019-05-28. Review status: criteria provided, single submitter. Criteria: Mendelics Assertion Criteria 2017. Collection method: clinical testing. Allele origin: unknown.

NM_000059.4(BRCA2):c.2560A>G (p.Asn854Asp)

Gene: BRCA2 (BRCA2 DNA repair associated; plus strand). Cytogenetic location: 13q13.1.
Variant type: single nucleotide variant.
Coding change: c.2560A>G on transcript NM_000059.4 (MANE Select); coding-DNA position 2560, A replaced by G.
Protein change: p.Asn854Asp; replaces asparagine 854 with aspartic acid.
Molecular consequence: missense variant.
Genome position (GRCh38, 1-based): chr13:32,336,915, A>G. VCF-style: chr13-32336915-A-G. GRCh37 (hg19) VCF-style: chr13-32911052-A-G.
Other names: c.2560A>G (NM_000059.3); short protein forms N854D.
Identifiers: ClinVar variation 584851 (VCV000584851.6), dbSNP rs1413706911, ClinGen allele CA387772545.